The following is an entry in ClinVar:

ClinVar aggregate classification (germline): Uncertain significance (1 of 4 stars; one submission).

Conditions:
Leber congenital amaurosis 8 (LCA8). Identifiers: Orphanet 65, MedGen C3151202, MONDO:0013453, OMIM 613835.
Retinitis pigmentosa 12 (RP12). Also called: RP WITH OR WITHOUT PRESERVED PARAARTERIOLE RETINAL PIGMENT EPITHELIUM; RETINITIS PIGMENTOSA WITH OR WITHOUT PARAARTERIOLAR PRESERVATION OF RETINAL PIGMENT EPITHELIUM; RP WITH OR WITHOUT PPRPE. Identifiers: Orphanet 791, MedGen C1838647, MONDO:0010818, OMIM 600105.

Submission:

Labcorp Genetics (formerly Invitae), Labcorp
Classification: Uncertain significance for Leber congenital amaurosis 8; Retinitis pigmentosa 12. Last evaluated: 2022-04-06. Review status: criteria provided, single submitter. Criteria: Invitae Variant Classification Sherloc (09022015). Collection method: clinical testing. Allele origin: germline.
Comment: This variant has not been reported in the literature in individuals affected with CRB1-related conditions. Advanced modeling of protein sequence and biophysical properties (such as structural, functional, and spatial information, amino acid conservation, physicochemical variation, residue mobility, and thermodynamic stability) performed at Invitae indicates that this missense variant is expected to disrupt CRB1 protein function. In summary, the available evidence is currently insufficient to determine the role of this variant in disease. Therefore, it has been classified as a Variant of Uncertain Significance. This variant is not present in population databases (gnomAD no frequency). This sequence change replaces cysteine, which is neutral and slightly polar, with arginine, which is basic and polar, at codon 1143 of the CRB1 protein (p.Cys1143Arg).

NM_201253.3(CRB1):c.3427T>C (p.Cys1143Arg)

Gene: CRB1 (crumbs cell polarity complex component 1; plus strand). Cytogenetic location: 1q31.3.
Variant type: single nucleotide variant.
Coding change: c.3427T>C on transcript NM_201253.3 (MANE Select); coding-DNA position 3427, T replaced by C.
Protein change: p.Cys1143Arg; replaces cysteine 1143 with arginine.
Molecular consequence: missense variant. On other transcripts: non-coding transcript variant (2), intron variant (1).
Genome position (GRCh38, 1-based): chr1:197,435,290, T>C. VCF-style: chr1-197435290-T-C. GRCh37 (hg19) VCF-style: chr1-197404420-T-C.
Other names: c.3091T>C, p.Cys1031Arg (NM_001193640.2); c.3355T>C, p.Cys1119Arg (NM_001257965.2); c.2129-310T>C (NM_001257966.2); short protein forms C1031R, C1119R, C1143R.
Identifiers: ClinVar variation 1916543 (VCV001916543.5), dbSNP rs2528202188, ClinGen allele CA344047810.
Genomic context (GRCh38, chr1:197,435,290, plus strand): 5'-GAGCAATTTCTCAAAATCTCTACCAATTCAGTGGTCACTGGCTGTTTGCAGTTAAATGTC[T>C]GCAACTCCAACCCCTGTTTGCATGGAGGAAACTGTGAAGACATCTATAGCTCTTATCATT-3'
Protein context (NP_957705.1, residues 1133-1153): VVTGCLQLNV[Cys1143Arg]NSNPCLHGGN